The following is an entry in ClinVar:

ClinVar aggregate classification (germline): Uncertain significance (1 of 4 stars; one submission).

Conditions:
Ulnar-mammary syndrome (UMS). Also called: SCHINZEL SYNDROME; Ulnar-mammary syndrome of Pallister; PALLISTER ULNAR-MAMMARY SYNDROME. Identifiers: Orphanet 3138, MedGen C1866994, MONDO:0008411, OMIM 181450.

Allele frequency attached by ClinVar (database versions not stated): gnomAD exomes below 0.00001.

Submission:

Labcorp Genetics (formerly Invitae), Labcorp
Classification: Uncertain significance for Ulnar-mammary syndrome. Last evaluated: 2023-11-15. Review status: criteria provided, single submitter. Criteria: Invitae Variant Classification Sherloc (09022015). Collection method: clinical testing. Allele origin: germline.
Comment: This sequence change replaces arginine, which is basic and polar, with tryptophan, which is neutral and slightly polar, at codon 284 of the TBX3 protein (p.Arg284Trp). This variant is not present in population databases (gnomAD no frequency). This variant has not been reported in the literature in individuals affected with TBX3-related conditions. An algorithm developed to predict the effect of missense changes on protein structure and function (PolyPhen-2) suggests that this variant is likely to be disruptive. In summary, the available evidence is currently insufficient to determine the role of this variant in disease. Therefore, it has been classified as a Variant of Uncertain Significance.

NM_005996.4(TBX3):c.850C>T (p.Arg284Trp)

Gene: TBX3 (T-box transcription factor 3; minus strand). Cytogenetic location: 12q24.21.
Variant type: single nucleotide variant.
Coding change: c.850C>T on transcript NM_005996.4 (MANE Select); coding-DNA position 850, C replaced by T.
Protein change: p.Arg284Trp; replaces arginine 284 with tryptophan.
Molecular consequence: missense variant.
Genome position (GRCh38, 1-based): chr12:114,677,611, G>A on the plus strand (C>T on the coding strand, the complement: TBX3 is on the minus strand). VCF-style: chr12-114677611-G-A. GRCh37 (hg19) VCF-style: chr12-115115416-G-A.
Other names: c.910C>T, p.Arg304Trp (NM_016569.4); short protein forms R284W, R304W.
Identifiers: ClinVar variation 2866652 (VCV002866652.3), dbSNP rs2121391968, ClinGen allele CA386870186.